The following is an entry in ClinVar:

ClinVar aggregate classification (somatic clinical impact): Tier II - Potential (1 of 4 stars; one submission).

Conditions:
Diffuse midline glioma, H3 K27M-mutant. Identifiers: MedGen C4289688, MONDO:0957196.

Submission:

Institute for Genomic Medicine (IGM) Clinical Laboratory, Nationwide Children's Hospital
Classification: Tier II - Potential for Diffuse midline glioma, H3 K27M-mutant. Assertion type: diagnostic. Clinical significance: supports diagnosis. Last evaluated: 2023-07-06. Review status: criteria provided, single submitter. Criteria: AMP/ASCO/CAP Guidelines, 2017. Collection method: clinical testing. Allele origin: somatic. Affected: yes.
Comment: Variant has Tier II (potential) clinical significance as a diagnostic inclusion criterion in diffuse midline glioma, H3 K27M-mutant, based on the following evidence: 1) Appears in one or more well-established professional guidelines (e.g., World Health Organization [WHO]; National Comprehensive Cancer Network [NCCN]) as providing diagnostic, prognostic, or therapeutic information. 2) Diagnostic significance based on multiple small studies (Evidence Level C; PMIDs: 24705251, 28966033, 22661320, 25230881, 26517431).

Literature cited by the submitters: PubMed 24705251; PubMed 28966033; PubMed 22661320; PubMed 25230881; PubMed 26517431.

NM_000489.6(ATRX):c.4795G>T (p.Gly1599Cys)

Gene: ATRX (ATRX chromatin remodeler; minus strand). Cytogenetic location: Xq21.1.
Variant type: single nucleotide variant.
Coding change: c.4795G>T on transcript NM_000489.6 (MANE Select); coding-DNA position 4795, G replaced by T.
Protein change: p.Gly1599Cys; replaces glycine 1599 with cysteine.
Molecular consequence: missense variant.
Genome position (GRCh38, 1-based): chrX:77,634,608, C>A on the plus strand (G>T on the coding strand, the complement: ATRX is on the minus strand). VCF-style: chrX-77634608-C-A. GRCh37 (hg19) VCF-style: chrX-76890099-C-A.
Other names: c.4681G>T, p.Gly1561Cys (NM_138270.5); short protein forms G1561C, G1599C.
Identifiers: ClinVar variation 4530217 (VCV004530217.1).